The following is an entry in ClinVar:

ClinVar aggregate classification (germline): Uncertain significance. Review status: criteria provided, multiple submitters, no conflicts (2 of 4 stars). 3 submissions from 3 submitters: Uncertain significance (3). Last evaluated 2025-03-14.

Conditions:
Merosin deficient congenital muscular dystrophy (MDC1A). Also called: Congenital merosin-deficient muscular dystrophy 1A; Congenital Muscular Dystrophy Type 1A (MDC1A). Identifiers: Orphanet 258, MedGen C1263858, MONDO:0011925, OMIM 607855.
Muscular dystrophy, limb-girdle, autosomal recessive 23. Identifiers: Orphanet 565837, MedGen C4748327, MONDO:0029136, OMIM 618138.
LAMA2-related muscular dystrophy (LAMA2-RD). Also called: Laminin alpha 2-related dystrophy. Identifiers: MedGen C5679788, MONDO:0100228.

Allele frequency attached by ClinVar (database versions not stated): TOPMed 0.00009; 1000 Genomes Project 30x 0.00016; 1000 Genomes Project 0.00020.
gnomAD v4.1: 601 of 1,614,012 alleles (0.037%); highest among the groups gnomAD compares: Non-Finnish European, 0.05%; no homozygotes.

Submissions (3):

GeneDx
Classification: Uncertain significance. Last evaluated: 2025-03-14. Review status: criteria provided, single submitter. Criteria: GeneDx Variant Classification Process June 2021. Collection method: clinical testing. Allele origin: germline. Affected: yes.
Comment: Reported in a cohort of individuals with dilated cardiomyopathy, however, specific clinical information was no provided (PMID: 31983221); In silico analysis indicates that this missense variant does not alter protein structure/function; Not observed at significant frequency in large population cohorts (gnomAD); This variant is associated with the following publications: (PMID: 31983221)

Fulgent Genetics
Classification: Uncertain significance for Merosin deficient congenital muscular dystrophy; Muscular dystrophy, limb-girdle, autosomal recessive 23. Last evaluated: 2024-04-05. Review status: criteria provided, single submitter. Criteria: ACMG Guidelines, 2015. Collection method: clinical testing. Allele origin: germline.

Labcorp Genetics (formerly Invitae), Labcorp
Classification: Uncertain significance for LAMA2-related muscular dystrophy. Last evaluated: 2022-08-31. Review status: criteria provided, single submitter. Criteria: Invitae Variant Classification Sherloc (09022015). Collection method: clinical testing. Allele origin: germline.
Comment: This sequence change replaces glutamic acid, which is acidic and polar, with glutamine, which is neutral and polar, at codon 1649 of the LAMA2 protein (p.Glu1649Gln). This variant is present in population databases (rs143215851, gnomAD 0.01%). This missense change has been observed in individual(s) with clinical features of LAMA2-related conditions (PMID: 31983221). ClinVar contains an entry for this variant (Variation ID: 543860). Advanced modeling of protein sequence and biophysical properties (such as structural, functional, and spatial information, amino acid conservation, physicochemical variation, residue mobility, and thermodynamic stability) performed at Invitae indicates that this missense variant is not expected to disrupt LAMA2 protein function. In summary, the available evidence is currently insufficient to determine the role of this variant in disease. Therefore, it has been classified as a Variant of Uncertain Significance.

Literature cited by the submitters: PubMed 31983221 (cited by Labcorp Genetics (formerly Invitae), Labcorp).

NM_000426.4(LAMA2):c.4945G>C (p.Glu1649Gln)

Gene: LAMA2 (laminin subunit alpha 2; plus strand). Cytogenetic location: 6q22.33.
Variant type: single nucleotide variant.
Coding change: c.4945G>C on transcript NM_000426.4 (MANE Select); coding-DNA position 4945, G replaced by C.
Protein change: p.Glu1649Gln; replaces glutamic acid 1649 with glutamine.
Molecular consequence: missense variant.
Genome position (GRCh38, 1-based): chr6:129,369,976, G>C. VCF-style: chr6-129369976-G-C. GRCh37 (hg19) VCF-style: chr6-129691121-G-C.
Other names: c.4945G>C, p.Glu1649Gln (NM_001079823.2); short protein forms E1649Q.
Identifiers: ClinVar variation 543860 (VCV000543860.10), dbSNP rs143215851, ClinGen allele CA3993726.